The following is an entry in ClinVar:

ClinVar aggregate classification (germline): Uncertain significance (1 of 4 stars; one submission).

gnomAD v4.1: 1 of 1,614,116 alleles (0.000062%); highest among the groups gnomAD compares: Non-Finnish European, 0.000085%; no homozygotes.

Submission:

GeneDx
Classification: Uncertain significance. Last evaluated: 2026-03-14. Review status: criteria provided, single submitter. Criteria: GeneDx Variant Classification Process June 2021. Collection method: clinical testing. Allele origin: germline.
Comment: Not observed at significant frequency in large population cohorts (gnomAD); In silico analysis suggests that this missense variant does not alter protein structure/function; Has not been previously published as pathogenic or benign to our knowledge

NM_002224.4(ITPR3):c.7772C>T (p.Ala2591Val)

Gene: ITPR3 (inositol 1,4,5-trisphosphate receptor type 3; plus strand). Cytogenetic location: 6p21.31.
Variant type: single nucleotide variant.
Coding change: c.7772C>T on transcript NM_002224.4 (MANE Select); coding-DNA position 7772, C replaced by T.
Protein change: p.Ala2591Val; replaces alanine 2591 with valine.
Molecular consequence: missense variant.
Genome position (GRCh38, 1-based): chr6:33,693,692, C>T. VCF-style: chr6-33693692-C-T. GRCh37 (hg19) VCF-style: chr6-33661469-C-T.
Other names: short protein forms A2591V.
Identifiers: ClinVar variation 5009151 (VCV005009151.1).
Genomic context (GRCh38, chr6:33,693,692, plus strand): 5'-TCATTGTGCTGGTCCGCGTGAAGAACAAGACCGACTACACGGGCCCTGAGAGCTACGTGG[C>T]CCAGATGATCAAGGTGTGAGCAGGGGCTGTGCCAGGCCTGTGGGCCCAAACCAGCCATTC-3'
Protein context (NP_002215.2, residues 2581-2601): TDYTGPESYV[Ala2591Val]QMIKNKNLDW